The following is an entry in ClinVar:

NM_005751.5(AKAP9):c.8882C>T (p.Thr2961Ile)

Gene: AKAP9 (A-kinase anchoring protein 9; plus strand). Cytogenetic location: 7q21.2.
Variant type: single nucleotide variant.
Coding change: c.8882C>T on transcript NM_005751.5 (MANE Select); coding-DNA position 8882, C replaced by T.
Protein change: p.Thr2961Ile; replaces threonine 2961 with isoleucine.
Molecular consequence: missense variant.
Genome position (GRCh38, 1-based): chr7:92,085,544, C>T. VCF-style: chr7-92085544-C-T. GRCh37 (hg19) VCF-style: chr7-91714858-C-T.
Other names: c.3527C>T, p.Thr1176Ile (NM_001379277.1); c.8858C>T, p.Thr2953Ile (NM_147185.3); short protein forms T1176I, T2953I, T2961I.
Identifiers: ClinVar variation 3517187 (VCV003517187.1).

ClinVar aggregate classification (germline): Uncertain significance (1 of 4 stars; one submission).

Conditions:
Cardiovascular phenotype. Identifiers: MedGen CN230736.

gnomAD v4.1: 1 of 1,613,954 alleles (0.000062%); highest among the groups gnomAD compares: African/African-American, 0.0013%; no homozygotes.

Submission:

Ambry Genetics
Classification: Uncertain significance for Cardiovascular phenotype. Last evaluated: 2024-11-05. Review status: criteria provided, single submitter. Criteria: Ambry Variant Classification Scheme 2023. Collection method: clinical testing. Allele origin: germline.
Comment: The p.T2961I variant (also known as c.8882C>T), located in coding exon 36 of the AKAP9 gene, results from a C to T substitution at nucleotide position 8882. The threonine at codon 2961 is replaced by isoleucine, an amino acid with similar properties. This amino acid position is conserved. In addition, this alteration is predicted to be tolerated by in silico analysis. Based on the available evidence, the clinical significance of this variant remains unclear.